The following is an entry in ClinVar:

ClinVar aggregate classification (germline): Benign/Likely benign. Review status: criteria provided, multiple submitters, no conflicts (2 of 4 stars). 5 submissions from 4 submitters: Benign (2); Likely benign (3). Last evaluated 2025-10-09.

Conditions:
Leukodystrophy, hypomyelinating, 6. Also called: Hypomyelination with Atrophy of Basal Ganglia and Cerebellum (H-ABC); LEUKODYSTROPHY, HYPOMYELINATING, WITH ATROPHY OF THE BASAL GANGLIA AND CEREBELLUM; TUBB4A-Associated Leukodystrophy. Identifiers: Orphanet 139441, MedGen C2676244, MONDO:0012905, OMIM 612438.
Torsion dystonia 4. Also called: DYT-TUBB4A (Autosomal Dominant Torsion Dystonia); DYSTONIA MUSCULORUM DEFORMANS 4. Identifiers: Orphanet 98805, MedGen C1851943, MONDO:0007493, OMIM 128101.

Allele frequency attached by ClinVar (database versions not stated): ExAC 0.00011; 1000 Genomes Project 30x 0.00016; gnomAD exomes 0.00017 and 0.00027; gnomAD 0.00018 and 0.00020; 1000 Genomes Project 0.00020; TOPMed 0.00023; ESP Exome Variant Server 0.00031.
gnomAD v4.1: 426 of 1,613,912 alleles (0.026%); highest among the groups gnomAD compares: Non-Finnish European, 0.033%; no homozygotes.

Submissions (5):

Labcorp Genetics (formerly Invitae), Labcorp
Classification: Likely benign for Leukodystrophy, hypomyelinating, 6. Last evaluated: 2025-10-09. Review status: criteria provided, single submitter. Criteria: Invitae Variant Classification Sherloc (09022015). Collection method: clinical testing. Allele origin: germline.

CeGaT Center for Human Genetics Tuebingen
Classification: Likely benign. Last evaluated: 2025-01-01. Review status: criteria provided, single submitter. Criteria: CeGaT Center For Human Genetics Tuebingen Variant Classification Criteria Version 2. Collection method: clinical testing. Allele origin: germline. Affected: yes. Observed: 2 variant alleles.
Comment: TUBB4A: BP4, BP7

Blueprint Genetics
Classification: Likely benign. Last evaluated: 2024-10-25. Review status: criteria provided, single submitter. Criteria: ACMG Guidelines, 2015. Collection method: clinical testing. Allele origin: germline.

Illumina Laboratory Services, Illumina
Classification: Benign for Torsion dystonia 4. Last evaluated: 2018-01-12. Review status: criteria provided, single submitter. Criteria: ICSL Variant Classification Criteria 13 December 2019. Collection method: clinical testing. Allele origin: germline.
Comment: This variant was observed in the ICSL laboratory as part of a predisposition screen in an ostensibly healthy population. It had not been previously curated by ICSL or reported in the Human Gene Mutation Database (HGMD: prior to June 1st, 2018), and was therefore a candidate for classification through an automated scoring system. Utilizing variant allele frequency, disease prevalence and penetrance estimates, and inheritance mode, an automated score was calculated to assess if this variant is too frequent to cause the disease. Based on the score and internal cut-off values, a variant classified as benign is not then subjected to further curation. The score for this variant resulted in a classification of benign for this disease.

Illumina Laboratory Services, Illumina
Classification: Benign for Leukodystrophy, hypomyelinating, 6. Last evaluated: 2018-01-12. Review status: criteria provided, single submitter. Criteria: ICSL Variant Classification Criteria 13 December 2019. Collection method: clinical testing. Allele origin: germline.
Comment: the same text as in the submission from Illumina Laboratory Services, Illumina above.

NM_006087.4(TUBB4A):c.1299C>T (p.Gly433=)

Gene: TUBB4A (tubulin beta 4A class IVa; minus strand). Cytogenetic location: 19p13.3.
Variant type: single nucleotide variant.
Coding change: c.1299C>T on transcript NM_006087.4 (MANE Select); coding-DNA position 1299, C replaced by T.
Protein change: p.Gly433=; no amino-acid change (glycine 433 retained).
Molecular consequence: synonymous variant.
Genome position (GRCh38, 1-based): chr19:6,495,200, G>A on the plus strand (C>T on the coding strand, the complement: TUBB4A is on the minus strand). VCF-style: chr19-6495200-G-A. GRCh37 (hg19) VCF-style: chr19-6495211-G-A.
Other names: c.1452C>T, p.Gly484= (NM_001289123.2); c.1434C>T, p.Gly478= (NM_001289127.2); c.1299C>T, p.Gly433= (NM_001289129.2); c.1083C>T, p.Gly361= (NM_001289130.2, NM_001289131.2).
Identifiers: ClinVar variation 695894 (VCV000695894.52), dbSNP rs142792302, ClinGen allele CA9127242.